The following is an entry in ClinVar:

ClinVar aggregate classification (germline): Conflicting classifications of pathogenicity. Review status: criteria provided, conflicting classifications (1 of 4 stars). 4 submissions from 4 submitters: Uncertain significance (1); Likely benign (1). 2 of the submissions do not count toward it. Last evaluated 2026-01-22.

Conditions:
Inborn genetic diseases. Identifiers: MedGen C0950123, MeSH D030342.
AGRN-related disorder. Also called: AGRN-related condition.
Congenital myasthenic syndrome 8. Also called: MYASTHENIC SYNDROME, CONGENITAL, DUE TO AGRIN DEFICIENCY; Myasthenic syndrome, congenital, 8, with pre- and postsynaptic defects. Identifiers: Orphanet 590, MedGen C3808739, MONDO:0014052, OMIM 615120.

Allele frequency attached by ClinVar (database versions not stated): gnomAD 0.00005 and 0.00013; gnomAD exomes 0.00006 and 0.00027; ESP Exome Variant Server 0.00008; TOPMed 0.00011; ExAC 0.00024; 1000 Genomes Project 30x 0.00156; 1000 Genomes Project 0.00180.
gnomAD v4.1: 142 of 1,611,966 alleles (0.0088%); highest among the groups gnomAD compares: East Asian, 0.12%; no homozygotes.

Submissions (4):

Labcorp Genetics (formerly Invitae), Labcorp
Classification: Likely benign for Congenital myasthenic syndrome 8. Last evaluated: 2026-01-22. Review status: criteria provided, single submitter. Criteria: Invitae Variant Classification Sherloc (09022015). Collection method: clinical testing. Allele origin: germline.

Ambry Genetics
Classification: Uncertain significance for Inborn genetic diseases. Last evaluated: 2025-09-05. Review status: criteria provided, single submitter. Criteria: Ambry Variant Classification Scheme 2023. Collection method: clinical testing. Allele origin: germline.

PreventionGenetics, part of Exact Sciences
Classification: Likely benign for AGRN-related condition. Last evaluated: 2023-02-15. Review status: no assertion criteria provided. Collection method: clinical testing. Allele origin: germline. Not counted in ClinVar's aggregate classification.
Comment: This variant is classified as likely benign based on ACMG/AMP sequence variant interpretation guidelines (Richards et al. 2015 PMID: 25741868, with internal and published modifications).

Department of Neurology, Xiangya Hospital Central South University
Classification: Pathogenic for Congenital myasthenic syndrome 8. Last evaluated: 2021-09-22. Review status: no assertion criteria provided. Collection method: clinical testing. Allele origin: germline. Affected: yes. Not counted in ClinVar's aggregate classification.

NM_198576.4(AGRN):c.2647G>A (p.Gly883Ser)

Gene: AGRN (agrin; plus strand). Cytogenetic location: 1p36.33.
Variant type: single nucleotide variant.
Coding change: c.2647G>A on transcript NM_198576.4 (MANE Select); coding-DNA position 2647, G replaced by A.
Protein change: p.Gly883Ser; replaces glycine 883 with serine.
Molecular consequence: missense variant.
Genome position (GRCh38, 1-based): chr1:1,045,843, G>A. VCF-style: chr1-1045843-G-A. GRCh37 (hg19) VCF-style: chr1-981223-G-A.
Other names: c.2647G>A, p.Gly883Ser (NM_001305275.2); c.2332G>A, p.Gly778Ser (NM_001364727.2); short protein forms G883S, G778S.
Identifiers: ClinVar variation 541158 (VCV000541158.18), dbSNP rs145162376, ClinGen allele CA508726.